The following is an entry in ClinVar:

ClinVar aggregate classification (germline): Pathogenic (1 of 4 stars; one submission).

Conditions:
Primary ciliary dyskinesia 33. Also called: CILIARY DYSKINESIA, PRIMARY, 33, WITHOUT SITUS INVERSUS. Identifiers: Orphanet 244, MedGen C4225230, MONDO:0014750, OMIM 616726.

Submission:

Labcorp Genetics (formerly Invitae), Labcorp
Classification: Pathogenic for Primary ciliary dyskinesia 33. Last evaluated: 2023-10-25. Review status: criteria provided, single submitter. Criteria: Invitae Variant Classification Sherloc (09022015). Collection method: clinical testing. Allele origin: unknown.
Comment: A gross deletion of the genomic region encompassing the full coding sequence of the GAS8 gene has been identified. Loss-of-function variants in GAS8 are known to be pathogenic (PMID: 26387594). The boundaries of this event are unknown as they extend beyond the assayed region for this gene and therefore may encompass additional genes. This variant has not been reported in the literature in individuals affected with GAS8-related conditions. For these reasons, this variant has been classified as Pathogenic.

Literature cited by the submitters: PubMed 26387594.

NC_000016.9:g.(?_90089130)_(90109753_?)del

Genes: DRC4 (dynein regulatory complex subunit 4; plus strand), GAS8-AS1 (GAS8 antisense RNA 1; minus strand). Cytogenetic location: 16q24.3.
Variant type: Deletion.
Identifiers: ClinVar variation 3243533 (VCV003243533.1).